The following is an entry in ClinVar:

ClinVar aggregate classification (germline): Likely benign (1 of 4 stars; one submission).

Allele frequency attached by ClinVar (database versions not stated): ESP Exome Variant Server 0.00008; gnomAD exomes 0.00009; gnomAD 0.00010; TOPMed 0.00013; 1000 Genomes Project 30x 0.00016; ExAC 0.00017; 1000 Genomes Project 0.00020.
gnomAD v4.1: 144 of 1,613,518 alleles (0.0089%); highest among the groups gnomAD compares: East Asian, 0.16%; 2 homozygotes.

Submission:

CeGaT Center for Human Genetics Tuebingen
Classification: Likely benign. Last evaluated: 2024-10-01. Review status: criteria provided, single submitter. Criteria: CeGaT Center For Human Genetics Tuebingen Variant Classification Criteria Version 2. Collection method: clinical testing. Allele origin: germline. Affected: yes. Observed: 2 variant alleles.
Comment: DPP6: BP4, BP7

NM_130797.4(DPP6):c.1941G>A (p.Thr647=)

Gene: DPP6 (dipeptidyl peptidase like 6; plus strand). Cytogenetic location: 7q36.2.
Variant type: single nucleotide variant.
Coding change: c.1941G>A on transcript NM_130797.4 (MANE Select); coding-DNA position 1941, G replaced by A.
Protein change: p.Thr647=; no amino-acid change (threonine 647 retained).
Molecular consequence: synonymous variant. On other transcripts: non-coding transcript variant (2).
Genome position (GRCh38, 1-based): chr7:154,875,963, G>A. VCF-style: chr7-154875963-G-A. GRCh37 (hg19) VCF-style: chr7-154667673-G-A.
Other names: c.1758G>A, p.Thr586= (NM_001364498.2, NM_001364499.2, NM_001364500.2 and 1 more transcripts); c.1755G>A, p.Thr585= (NM_001936.5); c.1749G>A, p.Thr583= (NM_001039350.3); c.1620G>A, p.Thr540= (NM_001290252.2).
Identifiers: ClinVar variation 2658270 (VCV002658270.24), dbSNP rs371687724, ClinGen allele CA4583738.